The following is an entry in ClinVar:

NM_000540.3(RYR1):c.4215C>A (p.Pro1405=)

Gene: RYR1 (ryanodine receptor 1; plus strand). Cytogenetic location: 19q13.2.
Variant type: single nucleotide variant.
Coding change: c.4215C>A on transcript NM_000540.3 (MANE Select); coding-DNA position 4215, C replaced by A.
Protein change: p.Pro1405=; no amino-acid change (proline 1405 retained).
Molecular consequence: synonymous variant.
Genome position (GRCh38, 1-based): chr19:38,475,372, C>A. VCF-style: chr19-38475372-C-A. GRCh37 (hg19) VCF-style: chr19-38966012-C-A.
Other names: c.4215C>A, p.Pro1405= (NM_001042723.2).
Identifiers: ClinVar variation 2886345 (VCV002886345.5), dbSNP rs752410805, ClinGen allele CA507235844.

ClinVar aggregate classification (germline): Likely benign. Review status: criteria provided, multiple submitters, no conflicts (2 of 4 stars). 3 submissions from 3 submitters: Likely benign (3). Last evaluated 2023-11-24.

Conditions:
Malignant hyperthermia, susceptibility to, 1 (MHS1). Also called: Anesthesia related hyperthermia; Malignant hyperpyrexia; Fulminating hyperpyrexia; Pharmacogenic myopathy; RYR1-Related Malignant Hyperthermia Susceptibility; Malignant hyperthermia suceptibility 1. Identifiers: Orphanet 423, MedGen C2930980, MONDO:0007783, OMIM 145600.
RYR1-related disorder. Also called: RYR1-related disorders; RYR1-related condition. Identifiers: MedGen CN239331.

Submissions (3):

Labcorp Genetics (formerly Invitae), Labcorp
Classification: Likely benign for RYR1-related disorder. Last evaluated: 2023-11-24. Review status: criteria provided, single submitter. Criteria: Invitae Variant Classification Sherloc (09022015). Collection method: clinical testing. Allele origin: germline.

All of Us Research Program, National Institutes of Health
Classification: Likely benign for Malignant hyperthermia, susceptibility to, 1. Last evaluated: 2023-04-03. Review status: criteria provided, single submitter. Criteria: ACMG Guidelines, 2015. Collection method: clinical testing. Allele origin: germline. Inheritance: Autosomal dominant inheritance. Observed: 1 variant allele, 1 heterozygote.
Comment: This study involves interpretation of variants in research participants for the purpose of population health screening. Participant phenotype was not available at the time of variant classification. Additional details can be found in publication PMID: 35346344, PMCID: PMC8962531

Color Diagnostics, LLC DBA Color Health
Classification: Likely benign for Malignant hyperthermia, susceptibility to, 1. Last evaluated: 2022-11-06. Review status: criteria provided, single submitter. Criteria: ACMG Guidelines, 2015. Collection method: clinical testing. Allele origin: germline.